The following is an entry in ClinVar:

NM_000312.4(PROC):c.629C>T (p.Pro210Leu)

Gene: PROC (protein C, inactivator of coagulation factors Va and VIIIa; plus strand). Cytogenetic location: 2q14.3.
Variant type: single nucleotide variant.
Coding change: c.629C>T on transcript NM_000312.4 (MANE Select); coding-DNA position 629, C replaced by T.
Protein change: p.Pro210Leu; replaces proline 210 with leucine.
Molecular consequence: missense variant.
Genome position (GRCh38, 1-based): chr2:127,426,178, C>T. VCF-style: chr2-127426178-C-T. GRCh37 (hg19) VCF-style: chr2-128183754-C-T.
Other names: P168L; c.812C>T, p.Pro271Leu (NM_001375602.1); c.794C>T, p.Pro265Leu (NM_001375603.1); c.692C>T, p.Pro231Leu (NM_001375604.1); c.731C>T, p.Pro244Leu (NM_001375605.1); c.797C>T, p.Pro266Leu (NM_001375606.1); c.815C>T, p.Pro272Leu (NM_001375607.1); c.572C>T, p.Pro191Leu (NM_001375608.1); and 3 more; short protein forms P210L, P191L, P202L, P208L, P231L, P244L, P265L, P266L.
Identifiers: ClinVar variation 661 (VCV000000661.14), dbSNP rs121918145, ClinGen allele CA114394.

ClinVar aggregate classification (germline): Pathogenic/Likely pathogenic. Review status: criteria provided, multiple submitters, no conflicts (2 of 4 stars). 4 submissions from 4 submitters: Pathogenic (2); Likely pathogenic (1). 1 of the submissions does not count toward it. Last evaluated 2026-01-14.

Conditions:
Hereditary thrombophilia due to congenital protein C deficiency. Identifiers: Orphanet 745, MedGen C0598221, MONDO:0019145.
PROC-related disorder. Also called: PROC-related condition.
Thrombophilia due to protein C deficiency, autosomal dominant. Also called: PROC DEFICIENCY, AUTOSOMAL DOMINANT; PROTEIN C DEFICIENCY, AUTOSOMAL DOMINANT. Identifiers: Orphanet 745, MedGen C2674321, MONDO:0008316, OMIM 176860. Disease mechanism: loss of function.
Thrombophilia due to protein C deficiency, autosomal recessive. Also called: PROC DEFICIENCY, AUTOSOMAL RECESSIVE; PROTEIN C DEFICIENCY, AUTOSOMAL RECESSIVE. Identifiers: Orphanet 745, MedGen C2676759, MONDO:0012860, OMIM 612304.

Allele frequency attached by ClinVar (database versions not stated): gnomAD exomes below 0.00001 and 0.00001; ExAC 0.00001; gnomAD 0.00001.
gnomAD v4.1: 14 of 1,613,978 alleles (0.00087%); highest among the groups gnomAD compares: East Asian, 0.0022%; no homozygotes.

Submissions (4):

Victorian Clinical Genetics Services, Murdoch Childrens Research Institute
Classification: Likely pathogenic for Hereditary thrombophilia due to congenital protein C deficiency. Last evaluated: 2026-01-14. Review status: criteria provided, single submitter. Criteria: ACMG Guidelines, 2015. Collection method: clinical testing. Allele origin: germline. Affected: yes.
Comment: This variant is classified as Likely pathogenic. Evidence in support of pathogenic classification: Variant is present in gnomAD <0.01 (v4: 14 heterozygote(s), 0 homozygote(s)); This variant has strong previous evidence of pathogenicity in unrelated individuals. This variant has been classified as pathogenic by a clinical laboratory in ClinVar, and has been reported in the literature in heterozygous, compound heterozygous and homozygous individuals with PROC-related features (PMIDs: 1347608, 18573519, 21621249, 25533856, 32309994). Additional information: Variant is predicted to result in a missense amino acid change from Pro to Leu; This variant is heterozygous; This gene is associated with both recessive and dominant disease (OMIM); Alternative amino acid change(s) at the same position are present in gnomAD (highest allele count: v4: 1 heterozygote(s), 0 homozygote(s)); No published functional evidence has been identified for this variant; Another missense variant comparable to the one identified in this case has inconclusive previous evidence for pathogenicity. p.(Pro210Ser) has been classified as a VUS by a clinical laboratory in ClinVar. - Variant is not located in an established domain, motif, hotspot or informative constraint region; Missense variant with inconclusive in silico prediction and/or uninformative conservation; Loss of function is a known mechanism of disease in this gene and is associated with thrombophilia 3 due to protein C deficiency, autosomal dominant (MIM#176860) and thrombophilia 3 due to protein C deficiency, autosomal recessive (MIM#612304); Inheritance information for this variant is not currently available in this individual.

Labcorp Genetics (formerly Invitae), Labcorp
Classification: Pathogenic for Thrombophilia due to protein C deficiency, autosomal dominant. Last evaluated: 2025-03-26. Review status: criteria provided, single submitter. Criteria: Invitae Variant Classification Sherloc (09022015). Collection method: clinical testing. Allele origin: germline.
Comment: This sequence change replaces proline, which is neutral and non-polar, with leucine, which is neutral and non-polar, at codon 210 of the PROC protein (p.Pro210Leu). This variant is present in population databases (rs121918145, gnomAD 0.005%). This missense change has been observed in individual(s) with protein C deficiency (PMID: 1347608, 7482420, 18573519, 21621249, 31254973). In at least one individual the data is consistent with being in trans (on the opposite chromosome) from a pathogenic variant. It has also been observed to segregate with disease in related individuals. This variant is also known as 6216C>T; Pro168Leu. ClinVar contains an entry for this variant (Variation ID: 661). Invitae Evidence Modeling of protein sequence and biophysical properties (such as structural, functional, and spatial information, amino acid conservation, physicochemical variation, residue mobility, and thermodynamic stability) indicates that this missense variant is not expected to disrupt PROC protein function with a negative predictive value of 80%. For these reasons, this variant has been classified as Pathogenic.

Blueprint Genetics
Classification: Pathogenic for PROC-related disorders. Last evaluated: 2023-08-25. Review status: criteria provided, single submitter. Criteria: ACMG Guidelines, 2015. Collection method: clinical testing. Allele origin: germline. Affected: yes. Observed: 2 variant alleles.

OMIM
Classification: Pathogenic for THROMBOPHILIA DUE TO PROTEIN C DEFICIENCY, AUTOSOMAL RECESSIVE. Last evaluated: 1992-03-21. Review status: no assertion criteria provided. Collection method: literature only. Allele origin: germline. Not counted in ClinVar's aggregate classification.

Literature cited by the submitters: PubMed 21621249 (cited by Victorian Clinical Genetics Services, Murdoch Childrens Research Institute and Labcorp Genetics (formerly Invitae), Labcorp); PubMed 18573519 (cited by Victorian Clinical Genetics Services, Murdoch Childrens Research Institute and Labcorp Genetics (formerly Invitae), Labcorp); PubMed 25533856 (cited by Victorian Clinical Genetics Services, Murdoch Childrens Research Institute); PubMed 1347608 (cited by 3 submitters); PubMed 32309994 (cited by Victorian Clinical Genetics Services, Murdoch Childrens Research Institute); PubMed 7482420 (cited by Labcorp Genetics (formerly Invitae), Labcorp); PubMed 31254973 (cited by Labcorp Genetics (formerly Invitae), Labcorp).